The following is an entry in ClinVar:

NM_000417.3(IL2RA):c.815T>A (p.Ile272Asn)

Gene: IL2RA (interleukin 2 receptor subunit alpha; minus strand). Cytogenetic location: 10p15.1.
Variant type: single nucleotide variant.
Coding change: c.815T>A on transcript NM_000417.3 (MANE Select); coding-DNA position 815, T replaced by A.
Protein change: p.Ile272Asn; replaces isoleucine 272 with asparagine.
Molecular consequence: missense variant.
Genome position (GRCh38, 1-based): chr10:6,012,876, A>T on the plus strand (T>A on the coding strand, the complement: IL2RA is on the minus strand). VCF-style: chr10-6012876-A-T. GRCh37 (hg19) VCF-style: chr10-6054839-A-T.
Other names: c.599T>A, p.Ile200Asn (NM_001308242.2); c.527T>A, p.Ile176Asn (NM_001308243.2); short protein forms I200N, I272N, I176N.
Identifiers: ClinVar variation 2007903 (VCV002007903.4), dbSNP rs12722712, ClinGen allele CA375923062.

ClinVar aggregate classification (germline): Uncertain significance (1 of 4 stars; one submission).

Conditions:
Immunodeficiency due to CD25 deficiency. Also called: IL2RA DEFICIENCY; IMMUNODEFICIENCY 41 WITH LYMPHOPROLIFERATION AND AUTOIMMUNITY; CD25 DEFICIENCY. Identifiers: Orphanet 169100, MedGen C1853392, MONDO:0011664, OMIM 606367.

Submission:

Labcorp Genetics (formerly Invitae), Labcorp
Classification: Uncertain significance for Immunodeficiency due to CD25 deficiency. Last evaluated: 2022-06-18. Review status: criteria provided, single submitter. Criteria: Invitae Variant Classification Sherloc (09022015). Collection method: clinical testing. Allele origin: germline.
Comment: In summary, the available evidence is currently insufficient to determine the role of this variant in disease. Therefore, it has been classified as a Variant of Uncertain Significance. Algorithms developed to predict the effect of missense changes on protein structure and function are either unavailable or do not agree on the potential impact of this missense change (SIFT: "Deleterious"; PolyPhen-2: "Probably Damaging"; Align-GVGD: "Class C0"). This variant has not been reported in the literature in individuals affected with IL2RA-related conditions. This variant is not present in population databases (gnomAD no frequency). This sequence change replaces isoleucine, which is neutral and non-polar, with asparagine, which is neutral and polar, at codon 272 of the IL2RA protein (p.Ile272Asn).